The following is an entry in ClinVar:

ClinVar aggregate classification (germline): Uncertain significance. Review status: criteria provided, multiple submitters, no conflicts (2 of 4 stars). 2 submissions from 2 submitters: Uncertain significance (2). Last evaluated 2023-10-16.

Conditions:
Neurofibromatosis, type 2 (SWNV). Also called: NF2-Related Schwannomatosis; BILATERAL ACOUSTIC NEUROFIBROMATOSIS; SCHWANNOMATOSIS, VESTIBULAR. Identifiers: Orphanet 637, MedGen C0027832, MONDO:0007039, OMIM 101000. Disease mechanism: loss of function.
Hereditary cancer-predisposing syndrome. Also called: Neoplastic Syndromes, Hereditary; Tumor predisposition; Hereditary Cancer Syndrome; Hereditary neoplastic syndrome. Identifiers: Orphanet 140162, MedGen C0027672, MeSH D009386, MONDO:0015356.

Allele frequency attached by ClinVar (database versions not stated): gnomAD exomes below 0.00001.
gnomAD v4.1: 1 of 1,614,150 alleles (0.000062%); highest among the groups gnomAD compares: Non-Finnish European, 0.000085%; no homozygotes.

Submissions (2):

Ambry Genetics
Classification: Uncertain significance for Hereditary cancer-predisposing syndrome. Last evaluated: 2023-10-16. Review status: criteria provided, single submitter. Criteria: Ambry Variant Classification Scheme 2023. Collection method: clinical testing. Allele origin: germline.
Comment: The p.W60R variant (also known as c.178T>C), located in coding exon 2 of the NF2 gene, results from a T to C substitution at nucleotide position 178. The tryptophan at codon 60 is replaced by arginine, an amino acid with dissimilar properties. This amino acid position is conserved. In addition, this alteration is predicted to be deleterious by in silico analysis. Since supporting evidence is limited at this time, the clinical significance of this alteration remains unclear.

Labcorp Genetics (formerly Invitae), Labcorp
Classification: Uncertain significance for Neurofibromatosis, type 2. Last evaluated: 2022-06-21. Review status: criteria provided, single submitter. Criteria: Invitae Variant Classification Sherloc (09022015). Collection method: clinical testing. Allele origin: germline.
Comment: In summary, the available evidence is currently insufficient to determine the role of this variant in disease. Therefore, it has been classified as a Variant of Uncertain Significance. Algorithms developed to predict the effect of missense changes on protein structure and function (SIFT, PolyPhen-2, Align-GVGD) all suggest that this variant is likely to be disruptive. This variant has not been reported in the literature in individuals affected with NF2-related conditions. This variant is not present in population databases (gnomAD no frequency). This sequence change replaces tryptophan, which is neutral and slightly polar, with arginine, which is basic and polar, at codon 60 of the NF2 protein (p.Trp60Arg).

NM_000268.4(NF2):c.178T>C (p.Trp60Arg)

Gene: NF2 (NF2, moesin-ezrin-radixin like (MERLIN) tumor suppressor; plus strand). Cytogenetic location: 22q12.2.
Variant type: single nucleotide variant.
Coding change: c.178T>C on transcript NM_000268.4 (MANE Select); coding-DNA position 178, T replaced by C.
Protein change: p.Trp60Arg; replaces tryptophan 60 with arginine.
Molecular consequence: missense variant. On other transcripts: non-coding transcript variant (1), intron variant (3).
Genome position (GRCh38, 1-based): chr22:29,636,814, T>C. VCF-style: chr22-29636814-T-C. GRCh37 (hg19) VCF-style: chr22-30032803-T-C.
Other names: c.64T>C, p.Trp22Arg (NM_001407053.1, NM_001407056.1); c.178T>C, p.Trp60Arg (NM_001407054.1, NM_001407057.1, NM_001407058.1 and 9 more transcripts); c.-463T>C (NM_001407065.1); c.-79T>C (NM_001407067.1); c.115-2276T>C (NM_181828.3); c.115-5388T>C (NM_181830.3, NM_181831.3); short protein forms W22R, W60R.
Identifiers: ClinVar variation 2008782 (VCV002008782.5), dbSNP rs1383283673, ClinGen allele CA411152544.